The following is an entry in ClinVar:

NM_005912.3(MC4R):c.305T>G (p.Ile102Ser)

Gene: MC4R (melanocortin 4 receptor; minus strand). Cytogenetic location: 18q21.32.
Variant type: single nucleotide variant.
Coding change: c.305T>G on transcript NM_005912.3 (MANE Select); coding-DNA position 305, T replaced by G.
Protein change: p.Ile102Ser; replaces isoleucine 102 with serine.
Molecular consequence: missense variant.
Genome position (GRCh38, 1-based): chr18:60,372,045, A>C on the plus strand (T>G on the coding strand, the complement: MC4R is on the minus strand). VCF-style: chr18-60372045-A-C. GRCh37 (hg19) VCF-style: chr18-58039278-A-C.
Other names: c.305T>G (NM_005912.2); short protein forms I102S.
Identifiers: ClinVar variation 14322 (VCV000014322.4), dbSNP rs121913559, ClinGen allele CA210715.
Genomic context (GRCh38, chr18:60,372,045, plus strand): 5'-TCAATATTCACTGTGAAACTCTGTGCATCCGTATCTGTACTGTTTAATAGGGTGATGACA[A>C]TGGTTTCTGATCCATTTGAAACGCTCACCAGCATATCAGCCACAGCCAAGCTGCAGATGA-3'
Protein context (NP_005903.2, residues 92-112): LVSVSNGSET[Ile102Ser]VITLLNSTDT

ClinVar aggregate classification (germline): Likely pathogenic. Review status: criteria provided, single submitter (1 of 4 stars). 2 submissions from 2 submitters: Likely pathogenic (1). 1 of the submissions does not count toward it. Last evaluated 2026-05-28.

Conditions:
MC4R-related disorder. Also called: MC4R-related condition.
BODY MASS INDEX QUANTITATIVE TRAIT LOCUS 20 (BMIQ20). Also called: MELANOCORTIN 4 RECEPTOR DEFICIENCY; MC4R DEFICIENCY. Identifiers: MedGen C4759928, OMIM 618406.

Submissions (2):

PreventionGenetics, part of Exact Sciences
Classification: Likely pathogenic for MC4R-related condition. Last evaluated: 2026-05-28. Review status: criteria provided, single submitter. Criteria: ACMG Guidelines, 2015. Collection method: clinical testing. Allele origin: germline.
Comment: The MC4R c.305T>G variant is predicted to result in the amino acid substitution p.Ile102Ser. This variant has been reported in an individual with obesity, although it was inherited from an unaffected parent (Dubern et al. 2001. PubMed ID: 11487744). In vitro experimental studies indicate this variant impacts protein function (see, for example: Lubrano-Berthelier et al. 2003. PubMed ID: 12499395; Tao et al. 2005. PubMed ID: 16030156; He et al. 2014. PubMed ID: 25332687). This variant has not been reported in a large population database (gnomAD), indicating it is rare. Another missense variant affecting the same amino acid (p.Ile102Thr) has also been shown to impact protein function (Tao et al. 2005. PubMed ID: 16030156). This variant is interpreted as likely pathogenic.

OMIM
Classification: Pathogenic for OBESITY (BMIQ20). Last evaluated: 2005-10-01. Review status: no assertion criteria provided. Collection method: literature only. Allele origin: germline. Not counted in ClinVar's aggregate classification.

Literature cited by the submitters: PubMed 11487744 (cited by OMIM); PubMed 16030156 (cited by OMIM).